The following is an entry in ClinVar:

NM_000257.4(MYH7):c.1220G>T (p.Gly407Val)

Gene: MYH7 (myosin heavy chain 7; minus strand). Cytogenetic location: 14q11.2.
Variant type: single nucleotide variant.
Coding change: c.1220G>T on transcript NM_000257.4 (MANE Select); coding-DNA position 1220, G replaced by T.
Protein change: p.Gly407Val; replaces glycine 407 with valine.
Molecular consequence: missense variant.
Genome position (GRCh38, 1-based): chr14:23,429,266, C>A on the plus strand (G>T on the coding strand, the complement: MYH7 is on the minus strand). VCF-style: chr14-23429266-C-A. GRCh37 (hg19) VCF-style: chr14-23898475-C-A.
Other names: short protein forms G407V.
Identifiers: ClinVar variation 42831 (VCV000042831.17), dbSNP rs397516095, ClinGen allele CA010392.

ClinVar aggregate classification (germline): Likely pathogenic. Review status: criteria provided, multiple submitters, no conflicts (2 of 4 stars). 4 submissions from 4 submitters: Likely pathogenic (4). Last evaluated 2025-02-12.

Conditions:
MYH7-related disorder. Also called: MYH7-related disorders; MYH7-related condition; MYH7-related disease.
Cardiovascular phenotype. Identifiers: MedGen CN230736.
Hypertrophic cardiomyopathy. Also called: HYPERTROPHIC MYOCARDIOPATHY. Identifiers: Orphanet 217569, MedGen C0007194, MeSH D002312, MONDO:0005045, HP:0001639.

Submissions (4):

Labcorp Genetics (formerly Invitae), Labcorp
Classification: Likely pathogenic for Hypertrophic cardiomyopathy. Last evaluated: 2025-02-12. Review status: criteria provided, single submitter. Criteria: Invitae Variant Classification Sherloc (09022015). Collection method: clinical testing. Allele origin: germline.
Comment: This sequence change replaces glycine, which is neutral and non-polar, with valine, which is neutral and non-polar, at codon 407 of the MYH7 protein (p.Gly407Val). This variant is not present in population databases (gnomAD no frequency). This missense change has been observed in individual(s) with hypertrophic cardiomyopathy (PMID: 15358028, 27532257). ClinVar contains an entry for this variant (Variation ID: 42831). Invitae Evidence Modeling of protein sequence and biophysical properties (such as structural, functional, and spatial information, amino acid conservation, physicochemical variation, residue mobility, and thermodynamic stability) indicates that this missense variant is expected to disrupt MYH7 protein function with a positive predictive value of 95%. This variant is found within a region of MYH7 between codons 181 and 937 that contains the majority of the myosin head domain. Missense variants in this region have been shown to be significantly overrepresented in individuals with hypertrophic cardiomyopathy (PMID: 27532257). In summary, the currently available evidence indicates that the variant is pathogenic, but additional data are needed to prove that conclusively. Therefore, this variant has been classified as Likely Pathogenic.

Blueprint Genetics
Classification: Likely pathogenic for MYH7-related disorders. Last evaluated: 2020-07-13. Review status: criteria provided, single submitter. Criteria: ACMG Guidelines, 2015. Collection method: clinical testing. Allele origin: germline. Affected: yes. Observed: 5 variant alleles.

Ambry Genetics
Classification: Likely pathogenic for Cardiovascular phenotype. Last evaluated: 2020-01-08. Review status: criteria provided, single submitter. Criteria: Ambry Variant Classification Scheme 2023. Collection method: clinical testing. Allele origin: germline.
Comment: The p.G407V variant (also known as c.1220G>T), located in coding exon 11 of the MYH7 gene, results from a G to T substitution at nucleotide position 1220. The glycine at codon 407 is replaced by valine, an amino acid with dissimilar properties, and is located in the head domain. This variant has been detected in hypertrophic cardiomyopathy (HCM) cohorts; however, detail was limited (Van Driest SL et al. J. Am. Coll. Cardiol., 2004 Aug;44:602-10; Walsh R et al. Genet. Med., 2017 02;19:192-203). Based on internal structural analysis, this variant is anticipated to be structurally disruptive (Planelles-Herrero VJ. Nat Commun. 2017 08;8(1):190). A likely pathogenic variant affecting the same codon (p.G407C, c.1219G>T) has been reported in association with HCM (Guo Q et al. DNA Cell Biol., 2014 Oct;33:699-704). This amino acid position is highly conserved in available vertebrate species. In addition, this alteration is predicted to be deleterious by in silico analysis. Based on the majority of available evidence to date, this variant is likely to be pathogenic.

Laboratory for Molecular Medicine, Mass General Brigham Personalized Medicine
Classification: Likely pathogenic for Hypertrophic cardiomyopathy. Last evaluated: 2018-04-06. Review status: criteria provided, single submitter. Criteria: LMM Criteria. Collection method: clinical testing. Allele origin: germline. Observed: 2 variant alleles.
Comment: The p.Gly407Val variant in MYH7 has been identified in 2 individuals with HCM (V an Driest 2004, LMM data) and was absent from large population studies. This var iant has also been reported in ClinVar (Variation ID #42831). Computational pred iction tools and conservation analysis suggest that the p.Gly407Val variant may impact the protein, though this information is not predictive enough to determin e pathogenicity. Of note, this variant lies in the head region of the protein. M issense variants in this region have been reported and statistically indicated t o be more likely to cause disease (Walsh 2016). In summary, although additional studies are required to fully establish its clinical significance, the p.Gly407V al variant is likely pathogenic. ACMG/AMP Criteria applied: PM1; PM2; PP3; PS4_S upporting.

Literature cited by the submitters: PubMed 15358028 (cited by 3 submitters); PubMed 27532257 (cited by 3 submitters); PubMed 24963656 (cited by Ambry Genetics); PubMed 28606303 (cited by Ambry Genetics); PubMed 28775348 (cited by Ambry Genetics); PubMed 30275503 (cited by Ambry Genetics).